The following is an entry in ClinVar:

ClinVar aggregate classification (germline): Likely benign. Review status: criteria provided, multiple submitters, no conflicts (2 of 4 stars). 3 submissions from 3 submitters: Likely benign (3). Last evaluated 2026-06-08.

Conditions:
HGSNAT-related disorder. Also called: HGSNAT-related condition.
Mucopolysaccharidosis, MPS-III-C (MPS3C). Also called: SANFILIPPO SYNDROME C; MPS III C; MUCOPOLYSACCHARIDOSIS, TYPE IIIC; Mucopolysaccharidosis type IIIC (Sanfilippo C); MPS IIIC (Sanfilippo Syndrome Type C); mucopolysaccharidosis type 3C. Identifiers: Orphanet 581, Orphanet 79271, MedGen C0086649, MONDO:0009657, OMIM 252930.
Retinitis pigmentosa 73 (RP73). Identifiers: Orphanet 791, MedGen C4225287, MONDO:0014687, OMIM 616544.

Allele frequency attached by ClinVar (database versions not stated): gnomAD 0.00004 and 0.00003; TOPMed 0.00003; ExAC 0.00001; gnomAD exomes 0.00004.
gnomAD v4.1: 42 of 1,613,126 alleles (0.0026%); highest among the groups gnomAD compares: Middle Eastern, 0.017%; no homozygotes.

Submissions (3):

PreventionGenetics, part of Exact Sciences
Classification: Likely benign for HGSNAT-related condition. Last evaluated: 2026-06-08. Review status: criteria provided, single submitter. Criteria: ACMG Guidelines, 2015. Collection method: clinical testing. Allele origin: germline.
Comment: This variant is classified as likely benign based on ACMG/AMP sequence variant interpretation guidelines (Richards et al. 2015 PMID: 25741868, with internal and published modifications).

Labcorp Genetics (formerly Invitae), Labcorp
Classification: Likely benign for Retinitis pigmentosa 73; Mucopolysaccharidosis, MPS-III-C. Last evaluated: 2024-11-13. Review status: criteria provided, single submitter. Criteria: Invitae Variant Classification Sherloc (09022015). Collection method: clinical testing. Allele origin: germline.

Blueprint Genetics
Classification: Likely benign. Last evaluated: 2021-06-11. Review status: criteria provided, single submitter. Criteria: ACMG Guidelines, 2015. Collection method: clinical testing. Allele origin: germline.

NM_152419.3(HGSNAT):c.1347C>T (p.Asp449=)

Gene: HGSNAT (heparan-alpha-glucosaminide N-acetyltransferase; plus strand). Cytogenetic location: 8p11.21.
Variant type: single nucleotide variant.
Coding change: c.1347C>T on transcript NM_152419.3 (MANE Select); coding-DNA position 1347, C replaced by T.
Protein change: p.Asp449=; no amino-acid change (aspartic acid 449 retained).
Molecular consequence: synonymous variant.
Genome position (GRCh38, 1-based): chr8:43,192,400, C>T. VCF-style: chr8-43192400-C-T. GRCh37 (hg19) VCF-style: chr8-43047543-C-T.
Other names: c.1347C>T, p.Asp449= (NM_001363227.2); c.1155C>T, p.Asp385= (NM_001363228.2); c.483C>T, p.Asp161= (NM_001363229.2).
Identifiers: ClinVar variation 542425 (VCV000542425.10), dbSNP rs752420375, ClinGen allele CA4736847.